The following is an entry in ClinVar:

NM_000069.3(CACNA1S):c.4269G>A (p.Val1423=)

Gene: CACNA1S (calcium voltage-gated channel subunit alpha1 S; minus strand). Cytogenetic location: 1q32.1.
Variant type: single nucleotide variant.
Coding change: c.4269G>A on transcript NM_000069.3 (MANE Select); coding-DNA position 4269, G replaced by A.
Protein change: p.Val1423=; no amino-acid change (valine 1423 retained).
Molecular consequence: synonymous variant.
Genome position (GRCh38, 1-based): chr1:201,049,072, C>T on the plus strand (G>A on the coding strand, the complement: CACNA1S is on the minus strand). VCF-style: chr1-201049072-C-T. GRCh37 (hg19) VCF-style: chr1-201018200-C-T.
Identifiers: ClinVar variation 3386304 (VCV003386304.1).
Genomic context (GRCh38, chr1:201,049,072, plus strand): 5'-TACCCGATGTGGGCAGAACTTCCCAAAGCCCAGAGGGGGCTGAATCCTTCTCAGCAGGGT[C>T]ACCACGTCCAGGTGTTTGATTCTCCCCCTGCGGGAGGACACACAGACTTGTGTACCTGCT-3'
Protein context (NP_000060.2, residues 1413-1433): AKGRIKHLDV[Val1423=]TLLRRIQPPL

ClinVar aggregate classification (germline): Likely benign (1 of 4 stars; one submission).

Conditions:
Malignant hyperthermia, susceptibility to, 5 (MHS5). Also called: CACNA1S-Related Malignant Hyperthermia Susceptibility. Identifiers: Orphanet 423, MedGen C1866077, MONDO:0011163, OMIM 601887.

gnomAD v4.1: 2 of 1,613,468 alleles (0.00012%); highest among the groups gnomAD compares: Non-Finnish European, 0.00017%; no homozygotes.

Submission:

All of Us Research Program, National Institutes of Health
Classification: Likely benign for Malignant hyperthermia, susceptibility to, 5. Last evaluated: 2024-02-22. Review status: criteria provided, single submitter. Criteria: ACMG Guidelines, 2015. Collection method: clinical testing. Allele origin: germline. Inheritance: Autosomal dominant inheritance. Observed: 1 variant allele, 1 heterozygote.
Comment: This study involves interpretation of variants in research participants for the purpose of population health screening. Participant phenotype was not available at the time of variant classification. Additional details can be found in publication PMID: 35346344, PMCID: PMC8962531